The following is an entry in ClinVar:

ClinVar aggregate classification (germline): Uncertain significance (1 of 4 stars; one submission).

Submission:

GeneDx
Classification: Uncertain significance. Last evaluated: 2024-03-18. Review status: criteria provided, single submitter. Criteria: GeneDx Variant Classification Process June 2021. Collection method: clinical testing. Allele origin: germline. Affected: yes.
Comment: Not observed at significant frequency in large population cohorts (gnomAD); In silico analysis supports that this missense variant has a deleterious effect on protein structure/function; Has not been previously published as pathogenic or benign to our knowledge

NM_001330700.2(TOP2B):c.1418C>T (p.Ser473Phe)

Gene: TOP2B (DNA topoisomerase II beta; minus strand). Cytogenetic location: 3p24.2.
Variant type: single nucleotide variant.
Coding change: c.1418C>T on transcript NM_001330700.2 (MANE Select); coding-DNA position 1418, C replaced by T.
Protein change: p.Ser473Phe; replaces serine 473 with phenylalanine.
Molecular consequence: missense variant.
Genome position (GRCh38, 1-based): chr3:25,630,457, G>A on the plus strand (C>T on the coding strand, the complement: TOP2B is on the minus strand). VCF-style: chr3-25630457-G-A. GRCh37 (hg19) VCF-style: chr3-25671948-G-A.
Other names: c.1403C>T, p.Ser468Phe (NM_001068.3); short protein forms S468F, S473F.
Identifiers: ClinVar variation 3370990 (VCV003370990.1).
Genomic context (GRCh38, chr3:25,630,457, plus strand): 5'-CCAGACACAGCCAGTGATTTGGCAGAGTCTCCCTCTGTTAATATCAGTGTACACTCCAGG[G>A]AATGTTTACCACCTGAGAGAAATTTAAAATTATACATAGTAAAAATTTCTCATACTTTCA-3'
Protein context (NP_001317629.1, residues 463-483): DDANDAGGKH[Ser473Phe]LECTLILTEG